The following is an entry in ClinVar:

NM_005618.4(DLL1):c.76G>T (p.Glu26Ter)

Gene: DLL1 (delta like canonical Notch ligand 1; minus strand). Cytogenetic location: 6q27.
Variant type: single nucleotide variant.
Coding change: c.76G>T on transcript NM_005618.4 (MANE Select); coding-DNA position 76, G replaced by T.
Protein change: p.Glu26Ter; replaces glutamic acid 26 with a stop codon.
Molecular consequence: nonsense.
Genome position (GRCh38, 1-based): chr6:170,289,787, C>A on the plus strand (G>T on the coding strand, the complement: DLL1 is on the minus strand). VCF-style: chr6-170289787-C-A. GRCh37 (hg19) VCF-style: chr6-170598875-C-A.
Other names: short protein forms E26*.
Identifiers: ClinVar variation 1676438 (VCV001676438.3), dbSNP rs2114966765, ClinGen allele CA366510392.
Genomic context (GRCh38, chr6:170,289,787, plus strand): 5'-GGCAGCAGTTGCGGTTCCCCAGCAGCCCCTTCTTGTTGACGAACTCCTGCAGCTTCAGTT[C>A]GAACACCCCAGAGCTCCAGACCTGCACGGGGGAGGGCGGGGGCGTGAGGACGCGGGTCCC-3'

ClinVar aggregate classification (germline): Likely pathogenic (1 of 4 stars; one submission).

Conditions:
Neurodevelopmental disorder with nonspecific brain abnormalities and with or without seizures. Identifiers: MedGen C5231470, MONDO:0032877, OMIM 618709.

Submission:

Greenwood Genetic Center Diagnostic Laboratories, Greenwood Genetic Center
Classification: Likely pathogenic for Neurodevelopmental disorder with nonspecific brain abnormalities and with or without seizures. Last evaluated: 2022-02-10. Review status: criteria provided, single submitter. Criteria: ACMG Guidelines, 2015. Collection method: clinical testing. Allele origin: germline. Affected: yes.
Comment: PVS1, PM2